The following is an entry in ClinVar:

NM_000393.5(COL5A2):c.1977+4T>C

Gene: COL5A2 (collagen type V alpha 2 chain; minus strand). Cytogenetic location: 2q32.2.
Variant type: single nucleotide variant.
Coding change: c.1977+4T>C on transcript NM_000393.5 (MANE Select); 4 bases into the intron after coding-DNA position 1977, T replaced by C.
Molecular consequence: intron variant.
Genome position (GRCh38, 1-based): chr2:189,062,861, A>G on the plus strand (T>C on the coding strand, the complement: COL5A2 is on the minus strand). VCF-style: chr2-189062861-A-G. GRCh37 (hg19) VCF-style: chr2-189927587-A-G.
Identifiers: ClinVar variation 928698 (VCV000928698.1), dbSNP rs1686064895, ClinGen allele CA1139657540.

ClinVar aggregate classification (germline): Uncertain significance (1 of 4 stars; one submission).

Allele frequency attached by ClinVar (database versions not stated): gnomAD exomes below 0.00001.
gnomAD v4.1: 1 of 1,614,082 alleles (0.000062%); highest among the groups gnomAD compares: Non-Finnish European, 0.000085%; no homozygotes.

Submission:

Women's Health and Genetics/Laboratory Corporation of America, LabCorp
Classification: Uncertain significance. Last evaluated: 2019-11-06. Review status: criteria provided, single submitter. Criteria: LabCorp Variant Classification Summary - May 2015. Collection method: clinical testing. Allele origin: germline.
Comment: Variant summary: COL5A2 c.1977+4T>C alters a non-conserved nucleotide located close to a canonical splice site and therefore could affect mRNA splicing, leading to a significantly altered protein sequence. 5/5 computational tools predict no significant impact on normal splicing. However, these predictions have yet to be confirmed by functional studies. The variant was absent in 250984 control chromosomes (gnomAD). The available data on variant occurrences in the general population are insufficient to allow any conclusion about variant significance. To our knowledge, no occurrence of c.1977+4T>C in individuals affected with Ehlers-Danlos syndrome and no experimental evidence demonstrating its impact on protein function have been reported. No clinical diagnostic laboratories have submitted clinical-significance assessments for this variant to ClinVar after 2014. Based on the evidence outlined above, the variant was classified as uncertain significance.